The following is an entry in ClinVar:

NM_013975.4(LIG3):c.1515T>G (p.Ser505=)

Gene: LIG3 (DNA ligase 3; plus strand). Cytogenetic location: 17q12.
Variant type: single nucleotide variant.
Coding change: c.1515T>G on transcript NM_013975.4 (MANE Select); coding-DNA position 1515, T replaced by G.
Protein change: p.Ser505=; no amino-acid change (serine 505 retained).
Molecular consequence: synonymous variant.
Genome position (GRCh38, 1-based): chr17:34,994,335, T>G. VCF-style: chr17-34994335-T-G. GRCh37 (hg19) VCF-style: chr17-33321354-T-G.
Other names: c.1515T>G, p.Ser505= (NM_002311.5).
Identifiers: ClinVar variation 3025571 (VCV003025571.22), dbSNP rs2142263307, ClinGen allele CA499731950.

ClinVar aggregate classification (germline): Likely benign (1 of 4 stars; one submission).

Submission:

CeGaT Center for Human Genetics Tuebingen
Classification: Likely benign. Last evaluated: 2024-02-01. Review status: criteria provided, single submitter. Criteria: CeGaT Center For Human Genetics Tuebingen Variant Classification Criteria Version 2. Collection method: clinical testing. Allele origin: germline. Affected: yes. Observed: 1 variant allele.
Comment: LIG3: PM2:Supporting, BP4, BP7